The following is an entry in ClinVar:

ClinVar aggregate classification (germline): Conflicting classifications of pathogenicity. Review status: criteria provided, conflicting classifications (1 of 4 stars). 2 submissions from 2 submitters: Uncertain significance (1); Likely benign (1). Last evaluated 2024-11-27.

Allele frequency attached by ClinVar (database versions not stated): gnomAD exomes 0.00002; TOPMed 0.00004; gnomAD 0.00005.

Submissions (2):

Labcorp Genetics (formerly Invitae), Labcorp
Classification: Uncertain significance. Last evaluated: 2024-11-27. Review status: criteria provided, single submitter. Criteria: Invitae Variant Classification Sherloc (09022015). Collection method: clinical testing. Allele origin: germline.
Comment: This sequence change replaces alanine, which is neutral and non-polar, with valine, which is neutral and non-polar, at codon 181 of the POLE2 protein (p.Ala181Val). The frequency data for this variant in the population databases is considered unreliable, as metrics indicate poor data quality at this position in the gnomAD database. This variant has not been reported in the literature in individuals affected with POLE2-related conditions. ClinVar contains an entry for this variant (Variation ID: 1468158). An algorithm developed to predict the effect of missense changes on protein structure and function outputs the following: PolyPhen-2: "Benign". The valine amino acid residue is found in multiple mammalian species, which suggests that this missense change does not adversely affect protein function. In summary, the available evidence is currently insufficient to determine the role of this variant in disease. Therefore, it has been classified as a Variant of Uncertain Significance.

Ambry Genetics
Classification: Likely benign. Last evaluated: 2023-12-22. Review status: criteria provided, single submitter. Criteria: Ambry Variant Classification Scheme 2023. Collection method: clinical testing. Allele origin: germline.

NM_002692.4(POLE2):c.542C>T (p.Ala181Val)

Gene: POLE2 (DNA polymerase epsilon 2, accessory subunit; minus strand). Cytogenetic location: 14q21.3.
Variant type: single nucleotide variant.
Coding change: c.542C>T on transcript NM_002692.4 (MANE Select); coding-DNA position 542, C replaced by T.
Protein change: p.Ala181Val; replaces alanine 181 with valine.
Molecular consequence: missense variant.
Genome position (GRCh38, 1-based): chr14:49,666,364, G>A on the plus strand (C>T on the coding strand, the complement: POLE2 is on the minus strand). VCF-style: chr14-49666364-G-A. GRCh37 (hg19) VCF-style: chr14-50133082-G-A.
Other names: c.464C>T, p.Ala155Val (NM_001197330.2); c.542C>T, p.Ala181Val (NM_001197331.3, NM_001348384.2); c.311C>T, p.Ala104Val (NM_001348385.2); c.542C>T (NM_002692.3); short protein forms A104V, A155V, A181V.
Identifiers: ClinVar variation 1468158 (VCV001468158.9), dbSNP rs755132837, ClinGen allele CA389607945.